The following is an entry in ClinVar:

ClinVar aggregate classification (germline): Uncertain significance (1 of 4 stars; one submission).

Submission:

GeneDx
Classification: Uncertain significance. Last evaluated: 2024-05-09. Review status: criteria provided, single submitter. Criteria: GeneDx Variant Classification Process June 2021. Collection method: clinical testing. Allele origin: germline. Affected: yes.
Comment: Not observed at significant frequency in large population cohorts (gnomAD); Has not been previously published as pathogenic or benign to our knowledge; In silico analysis is inconclusive as to whether the variant alters gene splicing. In the absence of RNA/functional studies, the actual effect of this sequence change is unknown.

NM_000601.6(HGF):c.1518A>G (p.Gly506=)

Gene: HGF (hepatocyte growth factor; minus strand). Cytogenetic location: 7q21.11.
Variant type: single nucleotide variant.
Coding change: c.1518A>G on transcript NM_000601.6 (MANE Select); coding-DNA position 1518, A replaced by G.
Protein change: p.Gly506=; no amino-acid change (glycine 506 retained).
Molecular consequence: synonymous variant.
Genome position (GRCh38, 1-based): chr7:81,710,170, T>C on the plus strand (A>G on the coding strand, the complement: HGF is on the minus strand). VCF-style: chr7-81710170-T-C. GRCh37 (hg19) VCF-style: chr7-81339486-T-C.
Other names: c.1503A>G, p.Gly501= (NM_001010932.3).
Identifiers: ClinVar variation 3375894 (VCV003375894.1).
Genomic context (GRCh38, chr7:81,710,170, plus strand): 5'-TTCTGGATATGCATGACTTGCATCTATTAATAATTACCTGTATCTCAAACTAACCATCCA[T>C]CCTATGTTTGTTCGTGTTGGAATCCCATTTACAACTCGCAATTGTTTCGTTTTGGCACAA-3'
Protein context (NP_000592.3, residues 496-516): VNGIPTRTNI[Gly506=]WMVSLRYRNK